The following is an entry in ClinVar:

ClinVar aggregate classification (germline): Uncertain significance (1 of 4 stars; one submission).

Conditions:
Hereditary cancer-predisposing syndrome. Also called: Neoplastic Syndromes, Hereditary; Tumor predisposition; Hereditary neoplastic syndrome; Hereditary Cancer Syndrome. Identifiers: Orphanet 140162, MedGen C0027672, MeSH D009386, MONDO:0015356.

Submission:

Ambry Genetics
Classification: Uncertain significance for Hereditary cancer-predisposing syndrome. Last evaluated: 2023-10-02. Review status: criteria provided, single submitter. Criteria: Ambry Variant Classification Scheme 2023. Collection method: clinical testing. Allele origin: germline.
Comment: The p.A1299T variant (also known as c.3895G>A), located in coding exon 15 of the APC gene, results from a G to A substitution at nucleotide position 3895. The alanine at codon 1299 is replaced by threonine, an amino acid with similar properties. In one study, this variant was detected in 0/165 colorectal cancer and/or polyposis patients and was identified in control individual(s) from a healthy population database (Rosenthal EA et al. Hum Genet, 2018 Oct;137:795-806). This amino acid position is not well conserved in available vertebrate species. In addition, in silico predictors for this gene do not accurately predict pathogenicity. Since supporting evidence is limited at this time, the clinical significance of this alteration remains unclear.

Literature cited by the submitters: PubMed 30267214.

NM_000038.6(APC):c.3895G>A (p.Ala1299Thr)

Gene: APC (APC regulator of Wnt signaling pathway; plus strand). Cytogenetic location: 5q22.2.
Variant type: single nucleotide variant.
Coding change: c.3895G>A on transcript NM_000038.6 (MANE Select); coding-DNA position 3895, G replaced by A.
Protein change: p.Ala1299Thr; replaces alanine 1299 with threonine.
Molecular consequence: missense variant. On other transcripts: non-coding transcript variant (2).
Genome position (GRCh38, 1-based): chr5:112,839,489, G>A. VCF-style: chr5-112839489-G-A. GRCh37 (hg19) VCF-style: chr5-112175186-G-A.
Other names: c.3895G>A, p.Ala1299Thr (NM_001127510.3, NM_001354895.2, NM_001407450.1); c.3841G>A, p.Ala1281Thr (NM_001127511.3); c.3949G>A, p.Ala1317Thr (NM_001354896.2, NM_001407447.1, NM_001407448.1 and 1 more transcripts); c.3925G>A, p.Ala1309Thr (NM_001354897.2); c.3820G>A, p.Ala1274Thr (NM_001354898.2); c.3811G>A, p.Ala1271Thr (NM_001354899.2); c.3772G>A, p.Ala1258Thr (NM_001354900.2); c.3718G>A, p.Ala1240Thr (NM_001354901.2, NM_001407453.1); and 11 more; short protein forms A1016T, A1139T, A1170T, A1173T, A1198T, A1208T, A1216T, A1240T.
Identifiers: ClinVar variation 3230337 (VCV003230337.1), dbSNP rs1765547450, ClinGen allele CA16029880.